The following is an entry in ClinVar:

ClinVar aggregate classification (germline): Conflicting classifications of pathogenicity. Review status: criteria provided, conflicting classifications (1 of 4 stars). 6 submissions from 6 submitters: Pathogenic (2); Likely pathogenic (3); Uncertain significance (1). Last evaluated 2025-12-29.

Conditions:
Familial hypokalemia-hypomagnesemia (GTLMNS). Also called: HYPOMAGNESEMIA-HYPOKALEMIA, PRIMARY RENOTUBULAR, WITH HYPOCALCIURIA; POTASSIUM AND MAGNESIUM DEPLETION; gitelman syndrome. Identifiers: Orphanet 358, MedGen C0268450, MONDO:0009904, OMIM 263800.
Inborn genetic diseases. Identifiers: MedGen C0950123, MeSH D030342.

Allele frequency attached by ClinVar (database versions not stated): gnomAD 0.00001; TOPMed 0.00002; ExAC 0.00005; gnomAD exomes 0.00006.
gnomAD v4.1: 47 of 1,612,586 alleles (0.0029%); highest among the groups gnomAD compares: South Asian, 0.0099%; no homozygotes.

Submissions (6):

Labcorp Genetics (formerly Invitae), Labcorp
Classification: Pathogenic. Last evaluated: 2025-12-29. Review status: criteria provided, single submitter. Criteria: Invitae Variant Classification Sherloc (09022015). Collection method: clinical testing. Allele origin: germline.
Comment: This sequence change replaces arginine, which is basic and polar, with cysteine, which is neutral and slightly polar, at codon 135 of the SLC12A3 protein (p.Arg135Cys). This variant is present in population databases (rs749742102, gnomAD 0.01%). This missense change has been observed in individuals with Gitelman syndrome (PMID: 21415153, 31672324). ClinVar contains an entry for this variant (Variation ID: 1068374). Invitae Evidence Modeling of protein sequence and biophysical properties (such as structural, functional, and spatial information, amino acid conservation, physicochemical variation, residue mobility, and thermodynamic stability) indicates that this missense variant is expected to disrupt SLC12A3 protein function with a positive predictive value of 95%. This variant disrupts the p.Arg135 amino acid residue in SLC12A3. Other variant(s) that disrupt this residue have been determined to be pathogenic (PMID: 21631963). This suggests that this residue is clinically significant, and that variants that disrupt this residue are likely to be disease-causing. For these reasons, this variant has been classified as Pathogenic.

Natera, Inc.
Classification: Pathogenic for Gitelman syndrome. Last evaluated: 2025-04-29. Review status: criteria provided, single submitter. Criteria: Natera Variant Classification Schema (03/2026). Collection method: clinical testing. Allele origin: germline.
Comment: The c.403C>T variant in SLC12A3 is a missense variant predicted to cause substitution of arginine to cysteine at amino acid 135. This variant is rare in the general population with a frequency below the threshold expected for the associated phenotype(s). This variant has been observed in one or more individuals affected with the associated recessive disease, as either homozygous or compound heterozygous with a second variant (PMID: 21415153, 33382082). Computational prediction algorithms indicate this variant is likely to affect gene or protein function. Given the available evidence, this variant is classified as Pathogenic.

Fulgent Genetics
Classification: Likely pathogenic for Familial hypokalemia-hypomagnesemia. Last evaluated: 2024-06-17. Review status: criteria provided, single submitter. Criteria: ACMG Guidelines, 2015. Collection method: clinical testing. Allele origin: germline.

Mayo Clinic Laboratories, Mayo Clinic
Classification: Likely pathogenic. Last evaluated: 2023-09-28. Review status: criteria provided, single submitter. Criteria: ACMG Guidelines, 2015. Collection method: clinical testing. Allele origin: germline. Observed: 1 variant allele.
Comment: PP3, PM2, PM3_strong, PS4_moderate

GeneDx
Classification: Uncertain significance. Last evaluated: 2023-09-27. Review status: criteria provided, single submitter. Criteria: GeneDx Variant Classification Process June 2021. Collection method: clinical testing. Allele origin: germline. Affected: yes.
Comment: Observed with a pathogenic variant, phase unknown, in patients with features suggestive of Gitelman syndrome in the literature, although additional clinical information was not provided (Vargas-Poussou et al., 2011; Hureaux et al., 2019); In silico analysis supports that this missense variant has a deleterious effect on protein structure/function; This variant is associated with the following publications: (PMID: 21415153, 31672324, 22009145)

Ambry Genetics
Classification: Likely pathogenic for Inborn genetic diseases. Last evaluated: 2021-08-27. Review status: criteria provided, single submitter. Criteria: Ambry Variant Classification Scheme 2023. Collection method: clinical testing. Allele origin: germline.
Comment: The c.403C>T (p.R135C) alteration is located in exon 2 (coding exon 2) of the SLC12A3 gene. This alteration results from a C to T substitution at nucleotide position 403, causing the arginine (R) at amino acid position 135 to be replaced by a cysteine (C). Based on data from gnomAD, the T allele has an overall frequency of <0.01% (14/245644) total alleles studied. The highest observed frequency was 0.01% (4/30286) of South Asian alleles. This variant has been reported in several individuals with Gitelman syndrome in conjunction with a second SLC12A3 variant (Vargas-Poussou, 2011; Glaudemans, 2012; Hureaux, 2019). This alteration is predicted to be deleterious by in silico analysis. Based on the available evidence, this alteration is classified as likely pathogenic.

Literature cited by the submitters: PubMed 21415153 (cited by 4 submitters); PubMed 31672324 (cited by 3 submitters); PubMed 21631963 (cited by Labcorp Genetics (formerly Invitae), Labcorp); PubMed 33382082 (cited by Natera, Inc.); PubMed 22009145 (cited by Mayo Clinic Laboratories, Mayo Clinic and Ambry Genetics).

NM_001126108.2(SLC12A3):c.403C>T (p.Arg135Cys)

Gene: SLC12A3 (solute carrier family 12 member 3; plus strand). Cytogenetic location: 16q13.
Variant type: single nucleotide variant.
Coding change: c.403C>T on transcript NM_001126108.2 (MANE Select); coding-DNA position 403, C replaced by T.
Protein change: p.Arg135Cys; replaces arginine 135 with cysteine.
Molecular consequence: missense variant.
Genome position (GRCh38, 1-based): chr16:56,867,190, C>T. VCF-style: chr16-56867190-C-T. GRCh37 (hg19) VCF-style: chr16-56901102-C-T.
Other names: p.Arg135Cys; c.403C>T, p.Arg135Cys (NM_000339.3); c.400C>T, p.Arg134Cys (NM_001126107.2); c.403C>T (NM_000339.2); short protein forms R134C, R135C.
Identifiers: ClinVar variation 1068374 (VCV001068374.14), dbSNP rs749742102, ClinGen allele CA8069005.